The following is an entry in ClinVar:

ClinVar aggregate classification (germline): Uncertain significance (1 of 4 stars; one submission).

Allele frequency attached by ClinVar (database versions not stated): gnomAD 0.00006 and 0.00005; gnomAD exomes 0.00007 and 0.00013; ExAC 0.00013; 1000 Genomes Project 30x 0.00016; 1000 Genomes Project 0.00020; TOPMed 0.00004.

Submission:

Labcorp Genetics (formerly Invitae), Labcorp
Classification: Uncertain significance. Last evaluated: 2025-04-24. Review status: criteria provided, single submitter. Criteria: Invitae Variant Classification Sherloc (09022015). Collection method: clinical testing. Allele origin: germline.
Comment: This sequence change falls in intron 9 of the DLL1 gene. It does not directly change the encoded amino acid sequence of the DLL1 protein. It affects a nucleotide within the consensus splice site. This variant is present in population databases (rs545409782, gnomAD 0.05%), and has an allele count higher than expected for a pathogenic variant. This variant has not been reported in the literature in individuals affected with DLL1-related conditions. ClinVar contains an entry for this variant (Variation ID: 1402132). Variants that disrupt the consensus splice site are a relatively common cause of aberrant splicing (PMID: 17576681, 9536098). Algorithms developed to predict the effect of sequence changes on RNA splicing suggest that this variant may disrupt the consensus splice site. In summary, the available evidence is currently insufficient to determine the role of this variant in disease. Therefore, it has been classified as a Variant of Uncertain Significance.

Literature cited by the submitters: PubMed 17576681; PubMed 9536098.

NM_005618.4(DLL1):c.2048+4C>T

Genes: DLL1 (delta like canonical Notch ligand 1; minus strand), LOC126859913 (P300/CBP strongly-dependent group 1 enhancer GRCh37_chr6:170591232-170592431; plus strand). Cytogenetic location: 6q27.
Variant type: single nucleotide variant.
Coding change: c.2048+4C>T on transcript NM_005618.4 (MANE Select); 4 bases into the intron after coding-DNA position 2048, C replaced by T.
Molecular consequence: intron variant.
Genome position (GRCh38, 1-based): chr6:170,283,227, G>A on the plus strand (C>T on the coding strand, the complement: DLL1 is on the minus strand). VCF-style: chr6-170283227-G-A. GRCh37 (hg19) VCF-style: chr6-170592315-G-A.
Identifiers: ClinVar variation 1402132 (VCV001402132.8), dbSNP rs545409782, ClinGen allele CA4106645.